The following is an entry in ClinVar:

ClinVar aggregate classification (germline): Uncertain significance (0 of 4 stars; one submission).

Conditions:
MAGEL2-related disorder. Also called: MAGEL2-related condition.

Submission:

PreventionGenetics, part of Exact Sciences
Classification: Uncertain significance for MAGEL2-related condition. Last evaluated: 2024-03-06. Review status: no assertion criteria provided. Collection method: clinical testing. Allele origin: germline.
Comment: The MAGEL2 c.363_482del120 variant is predicted to result in an in-frame deletion (p.Gln121_Ala160del). To our knowledge, this variant has not been reported in the literature or in a large population database, indicating this variant is rare. At this time, the clinical significance of this variant is uncertain due to the absence of conclusive functional and genetic evidence.

NM_019066.5(MAGEL2):c.363_482del (p.Gln121_Ala160del)

Gene: MAGEL2 (MAGE family member L2; minus strand). Cytogenetic location: 15q11.2.
Variant type: Deletion.
Coding change: c.363_482del on transcript NM_019066.5 (MANE Select); coding-DNA positions 363 to 482, 120 bases deleted.
Protein change: p.Gln121_Ala160del.
Molecular consequence: inframe deletion.
Genome position (GRCh38, 1-based): chr15:23,647,261-23,647,380, 120 bases deleted. GRCh37 (hg19): chr15:23,892,416-23,892,535.
Identifiers: ClinVar variation 3348831 (VCV003348831.1).